The following is an entry in ClinVar:

NM_020919.4(ALS2):c.114G>A (p.Trp38Ter)

Gene: ALS2 (alsin Rho guanine nucleotide exchange factor ALS2; minus strand). Cytogenetic location: 2q33.1.
Variant type: single nucleotide variant.
Coding change: c.114G>A on transcript NM_020919.4 (MANE Select); coding-DNA position 114, G replaced by A.
Protein change: p.Trp38Ter; replaces tryptophan 38 with a stop codon.
Molecular consequence: nonsense.
Genome position (GRCh38, 1-based): chr2:201,767,290, C>T on the plus strand (G>A on the coding strand, the complement: ALS2 is on the minus strand). VCF-style: chr2-201767290-C-T. GRCh37 (hg19) VCF-style: chr2-202632013-C-T.
Other names: c.114G>A, p.Trp38Ter (NM_001135745.2, NM_001410975.1); short protein forms W38*.
Identifiers: ClinVar variation 2796368 (VCV002796368.3), dbSNP rs2469943073, ClinGen allele CA350329566.

ClinVar aggregate classification (germline): Pathogenic (1 of 4 stars; one submission).

Conditions:
Infantile-onset ascending hereditary spastic paralysis (IAHSP). Also called: Autosomal Recessive Juvenile Amyotrophic Lateral Sclerosis; Infantile-Onset Ascending Hereditary Spastic Paralysis (IAHSP). Identifiers: Orphanet 293168, MedGen C2931441, MONDO:0011797, OMIM 607225. Disease mechanism: loss of function.

Submission:

Labcorp Genetics (formerly Invitae), Labcorp
Classification: Pathogenic for Infantile-onset ascending hereditary spastic paralysis. Last evaluated: 2024-10-30. Review status: criteria provided, single submitter. Criteria: Invitae Variant Classification Sherloc (09022015). Collection method: clinical testing. Allele origin: germline.
Comment: This sequence change creates a premature translational stop signal (p.Trp38*) in the ALS2 gene. It is expected to result in an absent or disrupted protein product. Loss-of-function variants in ALS2 are known to be pathogenic (PMID: 11586298, 24315819). This variant is not present in population databases (gnomAD no frequency). This variant has not been reported in the literature in individuals affected with ALS2-related conditions. ClinVar contains an entry for this variant (Variation ID: 2796368). For these reasons, this variant has been classified as Pathogenic.

Literature cited by the submitters: PubMed 11586298; PubMed 24315819.